The following is an entry in ClinVar:

NM_198282.4(STING1):c.411+14G>A

Genes: STING1 (stimulator of interferon response cGAMP interactor 1; minus strand), LOC123522803 (Sharpr-MPRA regulatory region 11914; plus strand). Cytogenetic location: 5q31.2.
Variant type: single nucleotide variant.
Coding change: c.411+14G>A on transcript NM_198282.4 (MANE Select); 14 bases into the intron after coding-DNA position 411, G replaced by A.
Molecular consequence: intron variant.
Genome position (GRCh38, 1-based): chr5:139,481,145, C>T on the plus strand (G>A on the coding strand, the complement: STING1 is on the minus strand). VCF-style: chr5-139481145-C-T. GRCh37 (hg19) VCF-style: chr5-138860730-C-T.
Other names: c.54+14G>A (NM_001367258.1); c.411+14G>A (NM_001301738.2).
Identifiers: ClinVar variation 1169525 (VCV001169525.11), dbSNP rs201976218, ClinGen allele CA3435420.

ClinVar aggregate classification (germline): Benign/Likely benign. Review status: criteria provided, multiple submitters, no conflicts (2 of 4 stars). 3 submissions from 3 submitters: Benign (2); Likely benign (1). Last evaluated 2026-02-23.

Conditions:
STING-associated vasculopathy with onset in infancy. Also called: Sting-associated vasculopathy, infantile-onset. Identifiers: Orphanet 425120, MedGen C4014722, MONDO:0014405, OMIM 615934.

Allele frequency attached by ClinVar (database versions not stated): ExAC 0.00025; ESP Exome Variant Server 0.00031; gnomAD exomes 0.00035; gnomAD 0.00036 and 0.00039; TOPMed 0.00043.
gnomAD v4.1: 1,423 of 1,613,662 alleles (0.088%); highest among the groups gnomAD compares: Non-Finnish European, 0.12%; 1 homozygote.

Submissions (3):

Women's Health and Genetics/Laboratory Corporation of America, LabCorp
Classification: Benign. Last evaluated: 2026-02-23. Review status: criteria provided, single submitter. Criteria: LabCorp Variant Classification Summary - May 2015. Collection method: clinical testing. Allele origin: germline.
Comment: Variant summary: STING1 c.411+14G>A alters a nucleotide located at a position not widely known to affect splicing. Consensus agreement among computation tools predict no significant impact on normal splicing. However, these predictions have yet to be confirmed by functional studies. The variant allele was found at a frequency of 0.00035 in 251172 control chromosomes. The observed variant frequency exceeds the estimated maximal expected allele frequency for disease-causing variants in STING1. To our knowledge, no occurrence of c.411+14G>A in individuals affected with STING1-related conditions and no experimental evidence demonstrating its impact on protein function have been reported. ClinVar contains an entry for this variant (Variation ID: 1169525). Based on the evidence outlined above, the variant was classified as benign.

Labcorp Genetics (formerly Invitae), Labcorp
Classification: Benign for STING-associated vasculopathy with onset in infancy. Last evaluated: 2026-02-02. Review status: criteria provided, single submitter. Criteria: Invitae Variant Classification Sherloc (09022015). Collection method: clinical testing. Allele origin: germline.

Blueprint Genetics
Classification: Likely benign. Last evaluated: 2024-09-03. Review status: criteria provided, single submitter. Criteria: ACMG Guidelines, 2015. Collection method: clinical testing. Allele origin: germline.